The following is an entry in ClinVar:

NM_017671.5(FERMT1):c.541G>T (p.Gly181Cys)

Gene: FERMT1 (FERM domain containing kindlin 1; minus strand). Cytogenetic location: 20p12.3.
Variant type: single nucleotide variant.
Coding change: c.541G>T on transcript NM_017671.5 (MANE Select); coding-DNA position 541, G replaced by T.
Protein change: p.Gly181Cys; replaces glycine 181 with cysteine.
Molecular consequence: missense variant.
Genome position (GRCh38, 1-based): chr20:6,110,503, C>A on the plus strand (G>T on the coding strand, the complement: FERMT1 is on the minus strand). VCF-style: chr20-6110503-C-A. GRCh37 (hg19) VCF-style: chr20-6091150-C-A.
Other names: short protein forms G181C.
Identifiers: ClinVar variation 2020446 (VCV002020446.4), dbSNP rs867910702, ClinGen allele CA408189222.

ClinVar aggregate classification (germline): Uncertain significance (1 of 4 stars; one submission).

Submission:

Labcorp Genetics (formerly Invitae), Labcorp
Classification: Uncertain significance. Last evaluated: 2022-03-18. Review status: criteria provided, single submitter. Criteria: Invitae Variant Classification Sherloc (09022015). Collection method: clinical testing. Allele origin: germline.
Comment: This sequence change replaces glycine, which is neutral and non-polar, with cysteine, which is neutral and slightly polar, at codon 181 of the FERMT1 protein (p.Gly181Cys). This variant is not present in population databases (gnomAD no frequency). This variant has not been reported in the literature in individuals affected with FERMT1-related conditions. Algorithms developed to predict the effect of missense changes on protein structure and function are either unavailable or do not agree on the potential impact of this missense change (SIFT: "Deleterious"; PolyPhen-2: "Possibly Damaging"; Align-GVGD: "Class C0"). Algorithms developed to predict the effect of sequence changes on RNA splicing suggest that this variant may create or strengthen a splice site. In summary, the available evidence is currently insufficient to determine the role of this variant in disease. Therefore, it has been classified as a Variant of Uncertain Significance.